The following is an entry in ClinVar:

NM_016507.4(CDK12):c.1508C>A (p.Ser503Tyr)

Gene: CDK12 (cyclin dependent kinase 12; plus strand). Cytogenetic location: 17q12.
Variant type: single nucleotide variant.
Coding change: c.1508C>A on transcript NM_016507.4 (MANE Select); coding-DNA position 1508, C replaced by A.
Protein change: p.Ser503Tyr; replaces serine 503 with tyrosine.
Molecular consequence: missense variant.
Genome position (GRCh38, 1-based): chr17:39,471,340, C>A. VCF-style: chr17-39471340-C-A. GRCh37 (hg19) VCF-style: chr17-37627593-C-A.
Other names: c.1508C>A, p.Ser503Tyr (NM_015083.4); short protein forms S503Y.
Identifiers: ClinVar variation 4651322 (VCV004651322.1).

ClinVar aggregate classification (germline): Uncertain significance (1 of 4 stars; one submission).

gnomAD v4.1: 1 of 1,614,036 alleles (0.000062%); highest among the groups gnomAD compares: Non-Finnish European, 0.000085%; no homozygotes.

Submission:

Ambry Genetics
Classification: Uncertain significance. Last evaluated: 2025-09-20. Review status: criteria provided, single submitter. Criteria: Ambry Variant Classification Scheme 2023. Collection method: clinical testing. Allele origin: germline.
Comment: The p.S503Y variant (also known as c.1508C>A), located in coding exon 2 of the CDK12 gene, results from a C to A substitution at nucleotide position 1508. The serine at codon 503 is replaced by tyrosine, an amino acid with dissimilar properties. This amino acid position is conserved. In addition, this alteration is predicted to be tolerated by in silico analysis. Based on the available evidence, the clinical significance of this variant remains unclear.